The following is an entry in ClinVar:

ClinVar aggregate classification (germline): Likely benign. Review status: criteria provided, single submitter (1 of 4 stars). 2 submissions from 2 submitters: Likely benign (1). 1 of the submissions does not count toward it. Last evaluated 2022-11-17.

Conditions:
PLEC-related disorder. Also called: PLEC-related disorders; PLEC-related condition.
Epidermolysis bullosa simplex, Ogna type (EBS5A). Also called: Pidermolysis bullosa simplex 5A, Ogna type; EPIDERMOLYSIS BULLOSA SIMPLEX 5A, OGNA TYPE. Identifiers: Orphanet 79401, MedGen C0432317, MONDO:0007555, OMIM 131950.
Epidermolysis bullosa simplex 5C, with pyloric atresia (EBS5C). Also called: PLEC-Related Epidermolysis Bullosa with Pyloric Atresia; Epidermolysis bullosa simplex with pyloric atresia; PLEC1-Related Epidermolysis Bullosa with Pyloric Atresia. Identifiers: Orphanet 158684, MedGen C2677349, MONDO:0012807, OMIM 612138.
Epidermolysis bullosa simplex 5B, with muscular dystrophy (EBS5B). Also called: Epidermolysis bullosa simplex with muscular dystrophy; EPIDERMOLYSIS BULLOSA SIMPLEX AND LIMB-GIRDLE MUSCULAR DYSTROPHY. Identifiers: Orphanet 257, MedGen C2931072, MONDO:0009181, OMIM 226670.
Autosomal recessive limb-girdle muscular dystrophy type 2Q (LGMDR17). Also called: MUSCULAR DYSTROPHY, LIMB-GIRDLE, AUTOSOMAL RECESSIVE 17. Identifiers: Orphanet 254361, MedGen C3150989, MONDO:0013390, OMIM 613723.
Epidermolysis bullosa simplex with nail dystrophy (EBS5D). Identifiers: MedGen C4225309, MONDO:0014661, OMIM 616487.

Allele frequency attached by ClinVar (database versions not stated): gnomAD exomes below 0.00001.

Submissions (2):

Labcorp Genetics (formerly Invitae), Labcorp
Classification: Likely benign for Autosomal recessive limb-girdle muscular dystrophy type 2Q; Epidermolysis bullosa simplex, Ogna type; Epidermolysis bullosa simplex with nail dystrophy; Epidermolysis bullosa simplex 5C, with pyloric atresia; Epidermolysis bullosa simplex 5B, with muscular dystrophy. Last evaluated: 2022-11-17. Review status: criteria provided, single submitter. Criteria: Invitae Variant Classification Sherloc (09022015). Collection method: clinical testing. Allele origin: germline.

PreventionGenetics, part of Exact Sciences
Classification: Likely benign for PLEC-related condition. Last evaluated: 2024-08-26. Review status: no assertion criteria provided. Collection method: clinical testing. Allele origin: germline. Not counted in ClinVar's aggregate classification.
Comment: This variant is classified as likely benign based on ACMG/AMP sequence variant interpretation guidelines (Richards et al. 2015 PMID: 25741868, with internal and published modifications).

NM_201384.3(PLEC):c.9870C>T (p.Thr3290=)

Gene: PLEC (plectin; minus strand). Cytogenetic location: 8q24.3.
Variant type: single nucleotide variant.
Coding change: c.9870C>T on transcript NM_201384.3 (MANE Select); coding-DNA position 9870, C replaced by T.
Protein change: p.Thr3290=; no amino-acid change (threonine 3290 retained).
Molecular consequence: synonymous variant.
Genome position (GRCh38, 1-based): chr8:143,919,951, G>A on the plus strand (C>T on the coding strand, the complement: PLEC is on the minus strand). VCF-style: chr8-143919951-G-A. GRCh37 (hg19) VCF-style: chr8-144994119-G-A.
Other names: c.9951C>T, p.Thr3317= (NM_000445.5); c.9828C>T, p.Thr3276= (NM_201378.4); c.9804C>T, p.Thr3268= (NM_201379.3); c.10281C>T, p.Thr3427= (NM_201380.4); c.9774C>T, p.Thr3258= (NM_201381.3); c.9870C>T, p.Thr3290= (NM_201382.4); c.9882C>T, p.Thr3294= (NM_201383.3); c.9951C>T (NM_000445.4).
Identifiers: ClinVar variation 1118662 (VCV001118662.13), dbSNP rs2131033758, ClinGen allele CA463529797.
Genomic context (GRCh38, chr8:143,919,951, plus strand): 5'-GGCACGGAGGCCGCTGAAGGACAGCCTCTCCTGCCGCAGGGTCTCCACCTCCTCCACGAT[G>A]GTAATGAGAATCTTGATGACCTTCTCCACGGTGACCTTGCCCGTGCGGAACTGACGCAAC-3'
Protein context (NP_958786.1, residues 3280-3300): TVEKVIKILI[Thr3290=]IVEEVETLRQ